The following is an entry in ClinVar:

NM_003737.4(DCHS1):c.4522G>A (p.Ala1508Thr)

Gene: DCHS1 (dachsous cadherin-related 1; minus strand). Cytogenetic location: 11p15.4.
Variant type: single nucleotide variant.
Coding change: c.4522G>A on transcript NM_003737.4 (MANE Select); coding-DNA position 4522, G replaced by A.
Protein change: p.Ala1508Thr; replaces alanine 1508 with threonine.
Molecular consequence: missense variant.
Genome position (GRCh38, 1-based): chr11:6,630,272, C>T on the plus strand (G>A on the coding strand, the complement: DCHS1 is on the minus strand). VCF-style: chr11-6630272-C-T. GRCh37 (hg19) VCF-style: chr11-6651503-C-T.
Other names: short protein forms A1508T.
Identifiers: ClinVar variation 1800661 (VCV001800661.4), dbSNP rs914084211, ClinGen allele CA217298867.

ClinVar aggregate classification (germline): Uncertain significance. Review status: criteria provided, multiple submitters, no conflicts (2 of 4 stars). 2 submissions from 2 submitters: Uncertain significance (2). Last evaluated 2025-09-01.

Allele frequency attached by ClinVar (database versions not stated): gnomAD 0.00003; TOPMed 0.00002.

Submissions (2):

Labcorp Genetics (formerly Invitae), Labcorp
Classification: Uncertain significance. Last evaluated: 2025-09-01. Review status: criteria provided, single submitter. Criteria: Invitae Variant Classification Sherloc (09022015). Collection method: clinical testing. Allele origin: germline.
Comment: This sequence change replaces alanine, which is neutral and non-polar, with threonine, which is neutral and polar, at codon 1508 of the DCHS1 protein (p.Ala1508Thr). The frequency data for this variant in the population databases is considered unreliable, as metrics indicate poor data quality at this position in the gnomAD database. This variant has not been reported in the literature in individuals affected with DCHS1-related conditions. ClinVar contains an entry for this variant (Variation ID: 1800661). Invitae Evidence Modeling of protein sequence and biophysical properties (such as structural, functional, and spatial information, amino acid conservation, physicochemical variation, residue mobility, and thermodynamic stability) indicates that this missense variant is not expected to disrupt DCHS1 protein function with a negative predictive value of 80%. In summary, the available evidence is currently insufficient to determine the role of this variant in disease. Therefore, it has been classified as a Variant of Uncertain Significance.

GeneDx
Classification: Uncertain significance. Last evaluated: 2022-05-16. Review status: criteria provided, single submitter. Criteria: GeneDx Variant Classification Process June 2021. Collection method: clinical testing. Allele origin: germline. Affected: yes.
Comment: In silico analysis supports that this missense variant does not alter protein structure/function; Has not been previously published as pathogenic or benign to our knowledge